The following is an entry in ClinVar:

ClinVar aggregate classification (germline): Uncertain significance (1 of 4 stars; one submission).

Allele frequency attached by ClinVar (database versions not stated): gnomAD 0.00001 and 0.00002; ExAC 0.00002; TOPMed 0.00002.
gnomAD v4.1: 28 of 1,614,188 alleles (0.0017%); highest among the groups gnomAD compares: African/African-American, 0.004%; no homozygotes.

Submission:

Labcorp Genetics (formerly Invitae), Labcorp
Classification: Uncertain significance. Last evaluated: 2025-06-06. Review status: criteria provided, single submitter. Criteria: Invitae Variant Classification Sherloc (09022015). Collection method: clinical testing. Allele origin: germline.
Comment: This sequence change replaces valine, which is neutral and non-polar, with isoleucine, which is neutral and non-polar, at codon 1395 of the MYO5B protein (p.Val1395Ile). This variant is present in population databases (rs200614244, gnomAD 0.008%). This variant has not been reported in the literature in individuals affected with MYO5B-related conditions. ClinVar contains an entry for this variant (Variation ID: 1380512). Invitae Evidence Modeling of protein sequence and biophysical properties (such as structural, functional, and spatial information, amino acid conservation, physicochemical variation, residue mobility, and thermodynamic stability) indicates that this missense variant is not expected to disrupt MYO5B protein function with a negative predictive value of 80%. In summary, the available evidence is currently insufficient to determine the role of this variant in disease. Therefore, it has been classified as a Variant of Uncertain Significance.

NM_001080467.3(MYO5B):c.4183G>A (p.Val1395Ile)

Gene: MYO5B (myosin VB; minus strand). Cytogenetic location: 18q21.1.
Variant type: single nucleotide variant.
Coding change: c.4183G>A on transcript NM_001080467.3 (MANE Select); coding-DNA position 4183, G replaced by A.
Protein change: p.Val1395Ile; replaces valine 1395 with isoleucine.
Molecular consequence: missense variant.
Genome position (GRCh38, 1-based): chr18:49,853,487, C>T on the plus strand (G>A on the coding strand, the complement: MYO5B is on the minus strand). VCF-style: chr18-49853487-C-T. GRCh37 (hg19) VCF-style: chr18-47379857-C-T.
Other names: short protein forms V1395I.
Identifiers: ClinVar variation 1380512 (VCV001380512.4), dbSNP rs200614244, ClinGen allele CA8960447.